The following is an entry in ClinVar:

NM_013393.3(MRM2):c.8+3G>A

Gene: MRM2 (mitochondrial rRNA methyltransferase 2; minus strand). Cytogenetic location: 7p22.3.
Variant type: single nucleotide variant.
Coding change: c.8+3G>A on transcript NM_013393.3 (MANE Select); 3 bases into the intron after coding-DNA position 8, G replaced by A.
Molecular consequence: intron variant.
Genome position (GRCh38, 1-based): chr7:2,242,159, C>T on the plus strand (G>A on the coding strand, the complement: MRM2 is on the minus strand). VCF-style: chr7-2242159-C-T. GRCh37 (hg19) VCF-style: chr7-2281794-C-T.
Identifiers: ClinVar variation 3036542 (VCV003036542.2), dbSNP rs769868297, ClinGen allele CA4124167.

ClinVar aggregate classification (germline): Likely benign (0 of 4 stars; one submission).

Conditions:
MRM2-related disorder. Also called: MRM2-related condition.

Allele frequency attached by ClinVar (database versions not stated): gnomAD 0.00001; gnomAD exomes 0.00001; ExAC 0.00002; TOPMed 0.00004.

Submission:

PreventionGenetics, part of Exact Sciences
Classification: Likely benign for MRM2-related condition. Last evaluated: 2020-07-14. Review status: no assertion criteria provided. Collection method: clinical testing. Allele origin: germline.
Comment: This variant is classified as likely benign based on ACMG/AMP sequence variant interpretation guidelines (Richards et al. 2015 PMID: 25741868, with internal and published modifications).